The following is an entry in ClinVar:

ClinVar aggregate classification (germline): Uncertain significance (1 of 4 stars; one submission).

Allele frequency attached by ClinVar (database versions not stated): ExAC 0.00001; gnomAD exomes 0.00001.
gnomAD v4.1: 3 of 1,611,426 alleles (0.00019%); highest among the groups gnomAD compares: Admixed American, 0.0033%; no homozygotes.

Submission:

Labcorp Genetics (formerly Invitae), Labcorp
Classification: Uncertain significance. Last evaluated: 2020-12-31. Review status: criteria provided, single submitter. Criteria: Invitae Variant Classification Sherloc (09022015). Collection method: clinical testing. Allele origin: germline.
Comment: In summary, the available evidence is currently insufficient to determine the role of this variant in disease. Therefore, it has been classified as a Variant of Uncertain Significance. Algorithms developed to predict the effect of missense changes on protein structure and function (SIFT, PolyPhen-2, Align-GVGD) all suggest that this variant is likely to be disruptive, but these predictions have not been confirmed by published functional studies and their clinical significance is uncertain. This variant has not been reported in the literature in individuals with SLC6A19-related conditions. This variant is present in population databases (rs763527431, ExAC 0.009%). This sequence change replaces serine with cysteine at codon 491 of the SLC6A19 protein (p.Ser491Cys). The serine residue is highly conserved and there is a moderate physicochemical difference between serine and cysteine.

NM_001003841.3(SLC6A19):c.1472C>G (p.Ser491Cys)

Gene: SLC6A19 (solute carrier family 6 member 19; plus strand). Cytogenetic location: 5p15.33.
Variant type: single nucleotide variant.
Coding change: c.1472C>G on transcript NM_001003841.3 (MANE Select); coding-DNA position 1472, C replaced by G.
Protein change: p.Ser491Cys; replaces serine 491 with cysteine.
Molecular consequence: missense variant.
Genome position (GRCh38, 1-based): chr5:1,219,598, C>G. VCF-style: chr5-1219598-C-G. GRCh37 (hg19) VCF-style: chr5-1219713-C-G.
Other names: short protein forms S491C.
Identifiers: ClinVar variation 1346973 (VCV001346973.8), dbSNP rs763527431, ClinGen allele CA3183179.